The following is an entry in ClinVar:

ClinVar aggregate classification (germline): Uncertain significance (0 of 4 stars; one submission).

Submission:

Leiden Open Variation Database
Classification: Uncertain significance. Last evaluated: 2019-08-13. Review status: no assertion criteria provided. Collection method: curation. Allele origin: germline. Affected: yes.
Comment: Curator: Arleen D. Auerbach. Submitter to LOVD: Yukihide Momozawa.

Literature cited by the submitters: PubMed 31214711.

NM_032043.3(BRIP1):c.2737T>C (p.Ser913Pro)

Gene: BRIP1 (BRCA1 interacting helicase 1; minus strand). Cytogenetic location: 17q23.2.
Variant type: single nucleotide variant.
Coding change: c.2737T>C on transcript NM_032043.3 (MANE Select); coding-DNA position 2737, T replaced by C.
Protein change: p.Ser913Pro; replaces serine 913 with proline.
Molecular consequence: missense variant.
Genome position (GRCh38, 1-based): chr17:61,686,004, A>G on the plus strand (T>C on the coding strand, the complement: BRIP1 is on the minus strand). VCF-style: chr17-61686004-A-G. GRCh37 (hg19) VCF-style: chr17-59763365-A-G.
Other names: short protein forms S913P.
Identifiers: ClinVar variation 929522 (VCV000929522.1), dbSNP rs1555573382, ClinGen allele CA400481638.